The following is an entry in ClinVar:

NM_006031.6(PCNT):c.143C>T (p.Ala48Val)

Genes: PCNT (pericentrin; plus strand), LOC128092249 (uncharacterized LOC128092249; plus strand). Cytogenetic location: 21q22.3.
Variant type: single nucleotide variant.
Coding change: c.143C>T on transcript NM_006031.6 (MANE Select); coding-DNA position 143, C replaced by T.
Protein change: p.Ala48Val; replaces alanine 48 with valine.
Molecular consequence: missense variant. On other transcripts: 5 prime UTR variant (1).
Genome position (GRCh38, 1-based): chr21:46,326,465, C>T. VCF-style: chr21-46326465-C-T. GRCh37 (hg19) VCF-style: chr21-47746379-C-T.
Other names: c.178C>T, p.Arg60Cys (NM_001414902.1); c.-212C>T (NM_001315529.2); short protein forms A48V, R60C.
Identifiers: ClinVar variation 4978003 (VCV004978003.1).

ClinVar aggregate classification (germline): Uncertain significance (1 of 4 stars; one submission).

Conditions:
PCNT-related disorder. Also called: PCNT-related condition.

gnomAD v4.1: 4 of 1,614,072 alleles (0.00025%); highest among the groups gnomAD compares: African/African-American, 0.0027%; no homozygotes.

Submission:

PreventionGenetics, part of Exact Sciences
Classification: Uncertain significance for PCNT-related condition. Last evaluated: 2025-02-07. Review status: criteria provided, single submitter. Criteria: ACMG Guidelines, 2015. Collection method: clinical testing. Allele origin: germline.
Comment: The PCNT c.143C>T variant is predicted to result in the amino acid substitution p.Ala48Val. To our knowledge, this variant has not been reported in the literature. This variant is reported in 0.0029% of alleles in individuals of Latino descent in gnomAD. At this time, the clinical significance of this variant is uncertain due to the absence of conclusive functional and genetic evidence.